The following is an entry in ClinVar:

ClinVar aggregate classification (germline): Uncertain significance (1 of 4 stars; one submission).

Conditions:
Arrhythmogenic right ventricular dysplasia 5. Also called: Arrhythmogenic Right Ventricular Dysplasia/Cardiomyopathy 5; ARRHYTHMOGENIC RIGHT VENTRICULAR DYSPLASIA, FAMILIAL, 5. Identifiers: MedGen C1858379, MONDO:0011459, OMIM 604400.

Allele frequency attached by ClinVar (database versions not stated): TOPMed below 0.00001.
gnomAD v4.1: 3 of 1,609,402 alleles (0.00019%); highest among the groups gnomAD compares: Non-Finnish European, 0.00025%; no homozygotes.

Submission:

Labcorp Genetics (formerly Invitae), Labcorp
Classification: Uncertain significance for Arrhythmogenic right ventricular dysplasia 5. Last evaluated: 2022-07-15. Review status: criteria provided, single submitter. Criteria: Invitae Variant Classification Sherloc (09022015). Collection method: clinical testing. Allele origin: germline.
Comment: In summary, the available evidence is currently insufficient to determine the role of this variant in disease. Therefore, it has been classified as a Variant of Uncertain Significance. Algorithms developed to predict the effect of sequence changes on RNA splicing suggest that this variant may disrupt the consensus splice site. This variant has not been reported in the literature in individuals affected with TMEM43-related conditions. This variant is present in population databases (no rsID available, gnomAD 0.0009%). This sequence change affects an acceptor splice site in intron 1 of the TMEM43 gene. It is expected to disrupt RNA splicing. Variants that disrupt the donor or acceptor splice site typically lead to a loss of protein function (PMID: 16199547), however the current clinical and genetic evidence is not sufficient to establish whether loss-of-function variants in TMEM43 cause disease.

Literature cited by the submitters: PubMed 16199547.

NM_024334.3(TMEM43):c.13-2A>C

Gene: TMEM43 (transmembrane protein 43; plus strand). Cytogenetic location: 3p25.1.
Variant type: single nucleotide variant.
Coding change: c.13-2A>C on transcript NM_024334.3 (MANE Select); the canonical splice acceptor site of the intron before coding-DNA position 13, A replaced by C.
Molecular consequence: splice acceptor variant. On other transcripts: intron variant (1).
Genome position (GRCh38, 1-based): chr3:14,129,410, A>C. VCF-style: chr3-14129410-A-C. GRCh37 (hg19) VCF-style: chr3-14170910-A-C.
Other names: c.13-2A>C (NM_001407274.1, NM_001407276.1, NM_001407275.1 and 3 more transcripts); c.13-1412A>C (NM_001407280.1).
Identifiers: ClinVar variation 1996378 (VCV001996378.4), dbSNP rs759720857, ClinGen allele CA351534151.